The following is an entry in ClinVar:

NM_001958.5(EEF1A2):c.370G>A (p.Glu124Lys)

Gene: EEF1A2 (eukaryotic translation elongation factor 1 alpha 2; minus strand). Cytogenetic location: 20q13.33.
Variant type: single nucleotide variant.
Coding change: c.370G>A on transcript NM_001958.5 (MANE Select); coding-DNA position 370, G replaced by A.
Protein change: p.Glu124Lys; replaces glutamic acid 124 with lysine.
Molecular consequence: missense variant.
Genome position (GRCh38, 1-based): chr20:63,495,056, C>T on the plus strand (G>A on the coding strand, the complement: EEF1A2 is on the minus strand). VCF-style: chr20-63495056-C-T. GRCh37 (hg19) VCF-style: chr20-62126409-C-T.
Other names: short protein forms E124K.
Identifiers: ClinVar variation 280924 (VCV000280924.55), dbSNP rs886042041, ClinGen allele CA10603372.

ClinVar aggregate classification (germline): Pathogenic/Likely pathogenic. Review status: criteria provided, multiple submitters, no conflicts (2 of 4 stars). 8 submissions from 8 submitters: Pathogenic (3); Likely pathogenic (4). 1 of the submissions does not count toward it. Last evaluated 2025-07-04.

Conditions:
Developmental and epileptic encephalopathy, 33 (DEE33). Also called: Epileptic encephalopathy, early infantile, 33. Identifiers: Orphanet 442835, MedGen C4225337, MONDO:0014625, OMIM 616409.
Intellectual developmental disorder, autosomal dominant 38. Also called: PSYCHOMOTOR RETARDATION, EPILEPSY, AND LANGUAGE DISABILITY SYNDROME; Intellectual disability, autosomal dominant 38. Identifiers: MedGen C4225343, MONDO:0014617, OMIM 616393.
Intellectual disability. Also called: Intellectual developmental disorder; Intellectual functioning disability; intellectual disabilities. Identifiers: MedGen C3714756, MeSH D008607, MONDO:0001071, HP:0001249.
EEF1A2-related disorder. Also called: EEF1A2-related condition; EEF1A2-related disorders.

Submissions (8):

GeneDx
Classification: Pathogenic. Last evaluated: 2025-07-04. Review status: criteria provided, single submitter. Criteria: GeneDx Variant Classification Process June 2021. Collection method: clinical testing. Allele origin: germline. Affected: yes.
Comment: Not observed at significant frequency in large population cohorts (gnomAD); In silico analysis supports that this missense variant has a deleterious effect on protein structure/function; This variant is associated with the following publications: (PMID: 32196822, 30377530, 27441201, 33057194, 34926809, 35982159, 31036916, 32062104, 31477274, 33004838, 31440721, 31785789, 37738884)

Labcorp Genetics (formerly Invitae), Labcorp
Classification: Pathogenic for Developmental and epileptic encephalopathy, 33. Last evaluated: 2024-03-02. Review status: criteria provided, single submitter. Criteria: Invitae Variant Classification Sherloc (09022015). Collection method: clinical testing. Allele origin: germline.
Comment: This sequence change replaces glutamic acid, which is acidic and polar, with lysine, which is basic and polar, at codon 124 of the EEF1A2 protein (p.Glu124Lys). This variant is not present in population databases (gnomAD no frequency). This missense change has been observed in individual(s) with clinical features of developmental and epileptic encephalopathy (PMID: 27441201, 33004838; Invitae). In at least one individual the variant was observed to be de novo. ClinVar contains an entry for this variant (Variation ID: 280924). Advanced modeling of protein sequence and biophysical properties (such as structural, functional, and spatial information, amino acid conservation, physicochemical variation, residue mobility, and thermodynamic stability) has been performed at Invitae for this missense variant, however the output from this modeling did not meet the statistical confidence thresholds required to predict the impact of this variant on EEF1A2 protein function. For these reasons, this variant has been classified as Pathogenic.

Blueprint Genetics
Classification: Pathogenic for EEF1A2-related disorders. Last evaluated: 2023-05-04. Review status: criteria provided, single submitter. Criteria: ACMG Guidelines, 2015. Collection method: clinical testing. Allele origin: germline. Affected: yes. Observed: 2 variant alleles.

Fulgent Genetics
Classification: Likely pathogenic for Intellectual developmental disorder, autosomal dominant 38; Developmental and epileptic encephalopathy, 33. Last evaluated: 2021-07-06. Review status: criteria provided, single submitter. Criteria: ACMG Guidelines, 2015. Collection method: clinical testing. Allele origin: unknown.

Diagnostic Laboratory, Strasbourg University Hospital
Classification: Likely pathogenic for Intellectual disability. Last evaluated: 2020-09-10. Review status: criteria provided, single submitter. Criteria: ACMG Guidelines, 2015. Collection method: clinical testing. Allele origin: de novo. Affected: yes. Observed: 1 heterozygote.

CeGaT Center for Human Genetics Tuebingen
Classification: Likely pathogenic. Last evaluated: 2018-02-01. Review status: criteria provided, single submitter. Criteria: CeGaT Center For Human Genetics Tuebingen Variant Classification Criteria Version 2. Collection method: clinical testing. Allele origin: germline. Affected: yes. Observed: 1 variant allele.

Equipe Genetique des Anomalies du Developpement, Université de Bourgogne
Classification: Likely pathogenic for Developmental and epileptic encephalopathy, 33. Last evaluated: 2015-01-01. Review status: criteria provided, single submitter. Criteria: ACMG Guidelines, 2007. Collection method: clinical testing. Allele origin: de novo. Affected: yes.

Department of Genetics, Robert DEBRE University Hospital
Classification: Pathogenic. Last evaluated: 2018-04-26. Review status: no assertion criteria provided. Collection method: clinical testing. Allele origin: de novo. Affected: yes. Not counted in ClinVar's aggregate classification.

Literature cited by the submitters: PubMed 27441201 (cited by Labcorp Genetics (formerly Invitae), Labcorp); PubMed 33004838 (cited by Labcorp Genetics (formerly Invitae), Labcorp).